The following is an entry in ClinVar:

NM_002890.3(RASA1):c.1429A>T (p.Lys477Ter)

Genes: CCNH (cyclin H; minus strand), RASA1 (RAS p21 protein activator 1; plus strand). Cytogenetic location: 5q14.3.
Variant type: single nucleotide variant.
Coding change: c.1429A>T on transcript NM_002890.3 (MANE Select); coding-DNA position 1429, A replaced by T.
Protein change: p.Lys477Ter; replaces lysine 477 with a stop codon.
Molecular consequence: nonsense. On other transcripts: intron variant (1).
Genome position (GRCh38, 1-based): chr5:87,362,647, A>T. VCF-style: chr5-87362647-A-T. GRCh37 (hg19) VCF-style: chr5-86658464-A-T.
Other names: c.898A>T, p.Lys300Ter (NM_022650.3); c.933+32397T>A (NM_001364075.2); short protein forms K300*, K477*.
Identifiers: ClinVar variation 2024470 (VCV002024470.4), dbSNP rs2112457150, ClinGen allele CA360367987.

ClinVar aggregate classification (germline): Pathogenic (1 of 4 stars; one submission).

Conditions:
Capillary malformation-arteriovenous malformation syndrome. Also called: Capillary malformation-arteriovenous malformation. Identifiers: Orphanet 137667, MedGen C1842180, MONDO:0012016.

Submission:

Labcorp Genetics (formerly Invitae), Labcorp
Classification: Pathogenic for Capillary malformation-arteriovenous malformation syndrome. Last evaluated: 2022-08-17. Review status: criteria provided, single submitter. Criteria: Invitae Variant Classification Sherloc (09022015). Collection method: clinical testing. Allele origin: germline.
Comment: For these reasons, this variant has been classified as Pathogenic. This variant has not been reported in the literature in individuals affected with RASA1-related conditions. This variant is not present in population databases (gnomAD no frequency). This sequence change creates a premature translational stop signal (p.Lys477*) in the RASA1 gene. It is expected to result in an absent or disrupted protein product. Loss-of-function variants in RASA1 are known to be pathogenic (PMID: 24038909).

Literature cited by the submitters: PubMed 24038909.